The following is an entry in ClinVar:

NM_001267550.2(TTN):c.47737C>T (p.Leu15913Phe)

Genes: TTN-AS1 (TTN antisense RNA 1; plus strand), TTN (titin; minus strand). Cytogenetic location: 2q31.2.
Variant type: single nucleotide variant.
Coding change: c.47737C>T on transcript NM_001267550.2 (MANE Select); coding-DNA position 47737, C replaced by T.
Protein change: p.Leu15913Phe; replaces leucine 15913 with phenylalanine.
Molecular consequence: missense variant.
Genome position (GRCh38, 1-based): chr2:178,617,348, G>A on the plus strand (C>T on the coding strand, the complement: TTN is on the minus strand). VCF-style: chr2-178617348-G-A. GRCh37 (hg19) VCF-style: chr2-179482075-G-A.
Other names: p.L14272F:CTT>TTT; c.42814C>T, p.Leu14272Phe (NM_001256850.1); c.20542C>T, p.Leu6848Phe (NM_003319.4); c.40033C>T, p.Leu13345Phe (NM_133378.4); c.20917C>T, p.Leu6973Phe (NM_133432.3); c.21118C>T, p.Leu7040Phe (NM_133437.4); short protein forms L15913F, L13345F, L14272F, L6848F, L7040F, L6973F.
Identifiers: ClinVar variation 47016 (VCV000047016.35), dbSNP rs138576504, ClinGen allele CA283315.
Genomic context (GRCh38, chr2:178,617,348, plus strand): 5'-CACATTGAATATTCTTTTTTATATGCAAATGACCTACCTTGTAAGTCAGTTCAGGGACAA[G>A]TTTCATATTGCAACGAATCCAATTATCTTTTCCTTCTTCGCATCGCTCAATTATATAGCC-3'
Protein context (NP_001254479.2, residues 15903-15923): KDNWIRCNMK[Leu15913Phe]VPELTYKVTG

ClinVar aggregate classification (germline): Conflicting classifications of pathogenicity. Review status: criteria provided, conflicting classifications (1 of 4 stars). 18 submissions from 14 submitters: Uncertain significance (3); Benign (8); Likely benign (7). Last evaluated 2026-02-04.

Conditions:
Cardiovascular phenotype. Identifiers: MedGen CN230736.
Dilated cardiomyopathy 1G (CMD1G). Identifiers: Orphanet 154, MedGen C1858763, MONDO:0011400, OMIM 604145.
Autosomal recessive limb-girdle muscular dystrophy type 2J (LGMDR10). Also called: MUSCULAR DYSTROPHY, LIMB-GIRDLE, AUTOSOMAL RECESSIVE 10; Limb-girdle muscular dystrophy, type 2J. Identifiers: Orphanet 140922, MedGen C1837342, MONDO:0012127, OMIM 608807.
Cardiomyopathy (CMYO). Also called: Cardiomyopathies. Identifiers: Orphanet 167848, MedGen C0878544, MONDO:0004994, HP:0001638. Inheritance: Various modes of inheritance.
Early-onset myopathy with fatal cardiomyopathy (CMYO5). Also called: CONGENITAL MYOPATHY 5 WITH CARDIOMYOPATHY; Salih Myopathy. Identifiers: Orphanet 289377, MedGen C2673677, MONDO:0012714, OMIM 611705. Disease mechanism: loss of function.
Myopathy, myofibrillar, 9, with early respiratory failure (MFM9). Also called: Myopathy, distal, with early respiratory failure, autosomal dominant; Hereditary myopathy with early respiratory failure; MYOPATHY, PROXIMAL, WITH EARLY RESPIRATORY MUSCLE INVOLVEMENT; EDSTROM MYOPATHY. Identifiers: Orphanet 178464, Orphanet 34521, MedGen C1863599, MONDO:0011362, OMIM 603689.
Tibial muscular dystrophy (TMD). Also called: Udd Distal Myopathy – Tibial Muscular Dystrophy; Tibial muscular dystrophy, tardive; UDD MYOPATHY. Identifiers: Orphanet 609, MedGen C1838244, MONDO:0010870, OMIM 600334.

Allele frequency attached by ClinVar (database versions not stated): ExAC 0.00089; gnomAD 0.00207 and 0.00222; ESP Exome Variant Server 0.00143; 1000 Genomes Project 0.00220; gnomAD exomes 0.00040 and 0.00017; TOPMed 0.00231; 1000 Genomes Project 30x 0.00203.
gnomAD v4.1: 568 of 1,581,576 alleles (0.036%); highest among the groups gnomAD compares: African/African-American, 0.68%; 1 homozygote.

Submissions (18):

Labcorp Genetics (formerly Invitae), Labcorp
Classification: Benign for Dilated cardiomyopathy 1G; Autosomal recessive limb-girdle muscular dystrophy type 2J. Last evaluated: 2026-02-04. Review status: criteria provided, single submitter. Criteria: Invitae Variant Classification Sherloc (09022015). Collection method: clinical testing. Allele origin: germline.

Molecular Diagnostic Laboratory for Inherited Cardiovascular Disease, Montreal Heart Institute
Classification: Benign. Last evaluated: 2025-04-09. Review status: criteria provided, single submitter. Criteria: ACMG Guidelines, 2015. Collection method: clinical testing. Allele origin: germline. Affected: no.

Mayo Clinic Laboratories, Mayo Clinic
Classification: Likely benign. Last evaluated: 2024-10-04. Review status: criteria provided, single submitter. Criteria: ACMG Guidelines, 2015. Collection method: clinical testing. Allele origin: germline. Observed: 6 variant alleles.

Blueprint Genetics
Classification: Likely benign. Last evaluated: 2024-08-30. Review status: criteria provided, single submitter. Criteria: ACMG Guidelines, 2015. Collection method: clinical testing. Allele origin: germline.

Athena Diagnostics
Classification: Benign. Last evaluated: 2024-04-12. Review status: criteria provided, single submitter. Criteria: Athena Diagnostics Criteria. Collection method: clinical testing. Allele origin: unknown.

ARUP Laboratories, Molecular Genetics and Genomics, ARUP Laboratories
Classification: Likely benign. Last evaluated: 2023-10-16. Review status: criteria provided, single submitter. Criteria: ARUP Molecular Germline Variant Investigation Process 2024. Collection method: clinical testing. Allele origin: germline.

Women's Health and Genetics/Laboratory Corporation of America, LabCorp
Classification: Likely benign. Last evaluated: 2022-06-16. Review status: criteria provided, single submitter. Criteria: LabCorp Variant Classification Summary - May 2015. Collection method: clinical testing. Allele origin: germline.

Illumina Laboratory Services, Illumina
Classification: Uncertain significance for Autosomal recessive limb-girdle muscular dystrophy type 2J. Last evaluated: 2018-01-12. Review status: criteria provided, single submitter. Criteria: ICSL Variant Classification Criteria 13 December 2019. Collection method: clinical testing. Allele origin: germline.

Illumina Laboratory Services, Illumina
Classification: Uncertain significance for Early-onset myopathy with fatal cardiomyopathy. Last evaluated: 2018-01-12. Review status: criteria provided, single submitter. Criteria: ICSL Variant Classification Criteria 13 December 2019. Collection method: clinical testing. Allele origin: germline.

Illumina Laboratory Services, Illumina
Classification: Benign for Tibial muscular dystrophy. Last evaluated: 2018-01-12. Review status: criteria provided, single submitter. Criteria: ICSL Variant Classification Criteria 13 December 2019. Collection method: clinical testing. Allele origin: germline.
Comment: This variant was observed in the ICSL laboratory as part of a predisposition screen in an ostensibly healthy population. It had not been previously curated by ICSL or reported in the Human Gene Mutation Database (HGMD: prior to June 1st, 2018), and was therefore a candidate for classification through an automated scoring system. Utilizing variant allele frequency, disease prevalence and penetrance estimates, and inheritance mode, an automated score was calculated to assess if this variant is too frequent to cause the disease. Based on the score and internal cut-off values, a variant classified as benign is not then subjected to further curation. The score for this variant resulted in a classification of benign for this disease.

Illumina Laboratory Services, Illumina
Classification: Uncertain significance for Dilated cardiomyopathy 1G. Last evaluated: 2018-01-12. Review status: criteria provided, single submitter. Criteria: ICSL Variant Classification Criteria 13 December 2019. Collection method: clinical testing. Allele origin: germline.

Illumina Laboratory Services, Illumina
Classification: Benign for Myopathy, myofibrillar, 9, with early respiratory failure. Last evaluated: 2018-01-12. Review status: criteria provided, single submitter. Criteria: ICSL Variant Classification Criteria 13 December 2019. Collection method: clinical testing. Allele origin: germline.
Comment: the same text as in the submission from Illumina Laboratory Services, Illumina above.

Ambry Genetics
Classification: Benign for Cardiovascular phenotype. Last evaluated: 2016-11-03. Review status: criteria provided, single submitter. Criteria: Ambry Variant Classification Scheme 2023. Collection method: clinical testing. Allele origin: germline.

CHEO Genetics Diagnostic Laboratory, Children's Hospital of Eastern Ontario
Classification: Likely benign for Cardiomyopathy. Last evaluated: 2016-07-04. Review status: criteria provided, single submitter. Criteria: ACMG Guidelines, 2015. Collection method: clinical testing. Allele origin: germline. Study: Canadian Open Genetics Repository.

Laboratory for Molecular Medicine, Mass General Brigham Personalized Medicine
Classification: Likely benign. Last evaluated: 2016-05-11. Review status: criteria provided, single submitter. Criteria: LMM Criteria. Collection method: clinical testing. Allele origin: germline. Observed: 5 variant alleles.
Comment: p.Leu13345Phe in exon 203 of TTN: This variant is not expected to have clinical significance because it has been identified in 0.8% (49/5750) of African chromos omes by the Exome Aggregation Consortium (ExAC; dbSNP rs138576504).

Eurofins Ntd Llc (ga)
Classification: Benign. Last evaluated: 2015-10-20. Review status: criteria provided, single submitter. Criteria: EGL Classification Definitions 2015. Collection method: clinical testing. Allele origin: germline. Observed: 1 variant allele, 1 heterozygote.

GeneDx
Classification: Benign. Last evaluated: 2014-07-08. Review status: criteria provided, single submitter. Criteria: GeneDx Variant Classification (06012015). Collection method: clinical testing. Allele origin: germline. Affected: yes.
Comment: This variant is considered likely benign or benign based on one or more of the following criteria: it is a conservative change, it occurs at a poorly conserved position in the protein, it is predicted to be benign by multiple in silico algorithms, and/or has population frequency not consistent with disease.

PreventionGenetics, part of Exact Sciences
Classification: Likely benign. Review status: criteria provided, single submitter. Criteria: ACMG Guidelines, 2015. Collection method: clinical testing. Allele origin: germline.

Literature cited by the submitters: PubMed 26516846 (cited by Athena Diagnostics).